The following is an entry in ClinVar:

ClinVar aggregate classification (germline): Uncertain significance (1 of 4 stars; one submission).

Conditions:
NEO1-related disorder. Also called: NEO1-related condition.

Allele frequency attached by ClinVar (database versions not stated): gnomAD 0.00001; gnomAD exomes 0.00001; TOPMed 0.00001.
gnomAD v4.1: 10 of 1,613,932 alleles (0.00062%); highest among the groups gnomAD compares: South Asian, 0.0011%; no homozygotes.

Submission:

PreventionGenetics, part of Exact Sciences
Classification: Uncertain significance for NEO1-related condition. Last evaluated: 2022-11-15. Review status: criteria provided, single submitter. Criteria: ACMG Guidelines, 2015. Collection method: clinical testing. Allele origin: germline.
Comment: The NEO1 c.2807G>A variant is predicted to result in the amino acid substitution p.Arg936Gln. To our knowledge, this variant has not been reported in the literature. This variant is reported in 0.0033% of alleles in individuals of South Asian descent in gnomAD. At this time, the clinical significance of this variant is uncertain due to the absence of conclusive functional and genetic evidence.

NM_002499.4(NEO1):c.2807G>A (p.Arg936Gln)

Gene: NEO1 (neogenin 1; plus strand). Cytogenetic location: 15q24.1.
Variant type: single nucleotide variant.
Coding change: c.2807G>A on transcript NM_002499.4 (MANE Select); coding-DNA position 2807, G replaced by A.
Protein change: p.Arg936Gln; replaces arginine 936 with glutamine.
Molecular consequence: missense variant.
Genome position (GRCh38, 1-based): chr15:73,270,404, G>A. VCF-style: chr15-73270404-G-A. GRCh37 (hg19) VCF-style: chr15-73562745-G-A.
Other names: c.2807G>A, p.Arg936Gln (NM_001172623.2, NM_001172624.2); c.2867G>A, p.Arg956Gln (NM_001419531.1); short protein forms R936Q, R956Q.
Identifiers: ClinVar variation 2628787 (VCV002628787.1), dbSNP rs1250227209, ClinGen allele CA393082744.
Genomic context (GRCh38, chr15:73,270,404, plus strand): 5'-TGGTGACTGGTTTAAAGCCGAATACACTCTATGAATTCTCTGTGATGGTGACCAAAGGTC[G>A]AAGATCAAGTACATGGAGTATGACAGCCCATGGGACCACCTTTGAATTAGGTATGTGTTG-3'
Protein context (NP_002490.2, residues 926-946): YEFSVMVTKG[Arg936Gln]RSSTWSMTAH